The following is an entry in ClinVar:

ClinVar aggregate classification (germline): Likely benign. Review status: criteria provided, single submitter (1 of 4 stars). 2 submissions from 2 submitters: Likely benign (1). 1 of the submissions does not count toward it. Last evaluated 2019-10-25.

Conditions:
FANCF-related disorder. Also called: FANCF-related condition.
Fanconi anemia (FA). Also called: Fanconi's anemia. Identifiers: Orphanet 84, MedGen C0015625, MeSH D005199, MONDO:0019391.

Allele frequency attached by ClinVar (database versions not stated): 1000 Genomes Project 0.00020; 1000 Genomes Project 30x 0.00031.
gnomAD v4.1: 6 of 1,614,164 alleles (0.00037%); highest among the groups gnomAD compares: South Asian, 0.0033%; no homozygotes.

Submissions (2):

Labcorp Genetics (formerly Invitae), Labcorp
Classification: Likely benign for Fanconi anemia. Last evaluated: 2019-10-25. Review status: criteria provided, single submitter. Criteria: Invitae Variant Classification Sherloc (09022015). Collection method: clinical testing. Allele origin: germline.

PreventionGenetics, part of Exact Sciences
Classification: Likely benign for FANCF-related condition. Last evaluated: 2023-10-13. Review status: no assertion criteria provided. Collection method: clinical testing. Allele origin: germline. Not counted in ClinVar's aggregate classification.
Comment: This variant is classified as likely benign based on ACMG/AMP sequence variant interpretation guidelines (Richards et al. 2015 PMID: 25741868, with internal and published modifications).

NM_022725.4(FANCF):c.90C>T (p.Thr30=)

Gene: FANCF (FA complementation group F; minus strand). Cytogenetic location: 11p14.3.
Variant type: single nucleotide variant.
Coding change: c.90C>T on transcript NM_022725.4 (MANE Select); coding-DNA position 90, C replaced by T.
Protein change: p.Thr30=; no amino-acid change (threonine 30 retained).
Molecular consequence: synonymous variant.
Genome position (GRCh38, 1-based): chr11:22,625,721, G>A on the plus strand (C>T on the coding strand, the complement: FANCF is on the minus strand). VCF-style: chr11-22625721-G-A. GRCh37 (hg19) VCF-style: chr11-22647267-G-A.
Identifiers: ClinVar variation 414814 (VCV000414814.14), dbSNP rs544395896, ClinGen allele CA5924438.